The following is an entry in ClinVar:

ClinVar aggregate classification (germline): Uncertain significance (1 of 4 stars; one submission).

gnomAD v4.1: 287 of 1,608,146 alleles (0.018%); highest among the groups gnomAD compares: Non-Finnish European, 0.023%; no homozygotes.

Submission:

GeneDx
Classification: Uncertain significance. Last evaluated: 2023-10-13. Review status: criteria provided, single submitter. Criteria: GeneDx Variant Classification Process June 2021. Collection method: clinical testing. Allele origin: germline. Affected: yes.
Comment: In silico analysis supports that this missense variant does not alter protein structure/function; Has not been previously published as pathogenic or benign to our knowledge

NM_001080414.4(CCDC88C):c.2062G>A (p.Val688Met)

Gene: CCDC88C (coiled-coil domain containing 88C; minus strand). Cytogenetic location: 14q32.11.
Variant type: single nucleotide variant.
Coding change: c.2062G>A on transcript NM_001080414.4 (MANE Select); coding-DNA position 2062, G replaced by A.
Protein change: p.Val688Met; replaces valine 688 with methionine.
Molecular consequence: missense variant. On other transcripts: non-coding transcript variant (2).
Genome position (GRCh38, 1-based): chr14:91,313,754, C>T on the plus strand (G>A on the coding strand, the complement: CCDC88C is on the minus strand). VCF-style: chr14-91313754-C-T. GRCh37 (hg19) VCF-style: chr14-91780098-C-T.
Other names: short protein forms V688M.
Identifiers: ClinVar variation 3366092 (VCV003366092.1).